The following is an entry in ClinVar:

NM_001173990.3(TMEM216):c.420T>C (p.Ala140=)

Gene: TMEM216 (transmembrane protein 216; plus strand). Cytogenetic location: 11q12.2.
Variant type: single nucleotide variant.
Coding change: c.420T>C on transcript NM_001173990.3 (MANE Select); coding-DNA position 420, T replaced by C.
Protein change: p.Ala140=; no amino-acid change (alanine 140 retained).
Molecular consequence: synonymous variant.
Genome position (GRCh38, 1-based): chr11:61,397,964, T>C. VCF-style: chr11-61397964-T-C. GRCh37 (hg19) VCF-style: chr11-61165436-T-C.
Other names: c.420T>C (NM_001173991.2); c.420T>C, p.Ala140= (NM_001173991.3); c.237T>C, p.Ala79= (NM_001330285.2, NM_016499.6).
Identifiers: ClinVar variation 305081 (VCV000305081.27), dbSNP rs749351351, ClinGen allele CA6034764.

ClinVar aggregate classification (germline): Conflicting classifications of pathogenicity. Review status: criteria provided, conflicting classifications (1 of 4 stars). 7 submissions from 6 submitters: Uncertain significance (3); Likely benign (3). 1 of the submissions does not count toward it. Last evaluated 2026-01-16.

Conditions:
Meckel syndrome, type 2 (MKS2). Also called: MKS2-Related Meckel Syndrome; MECKEL-GRUBER SYNDROME, TYPE 2. Identifiers: Orphanet 564, MedGen C1864148, MONDO:0011296, OMIM 603194.
Joubert syndrome. Also called: JOUBERT-BOLTSHAUSER SYNDROME; Familial aplasia of the vermis. Identifiers: Orphanet 475, MedGen C5979921, MONDO:0018772.
Joubert syndrome 2 (JBTS2). Also called: CEREBELLOOCULORENAL SYNDROME 2. Identifiers: Orphanet 2318, MedGen C1842577, MONDO:0011963, OMIM 608091.
TMEM216-related disorder. Also called: TMEM216-related disorders; TMEM216-related condition.

Allele frequency attached by ClinVar (database versions not stated): gnomAD exomes 0.00004 and 0.00010; gnomAD 0.00005 and 0.00006; TOPMed 0.00006; ExAC 0.00008.
gnomAD v4.1: 79 of 1,613,726 alleles (0.0049%); highest among the groups gnomAD compares: Middle Eastern, 0.016%; no homozygotes.

Submissions (7):

PreventionGenetics, part of Exact Sciences
Classification: Likely benign for TMEM216-related condition. Last evaluated: 2026-01-16. Review status: criteria provided, single submitter. Criteria: ACMG Guidelines, 2015. Collection method: clinical testing. Allele origin: germline.
Comment: This variant is classified as likely benign based on ACMG/AMP sequence variant interpretation guidelines (Richards et al. 2015 PMID: 25741868, with internal and published modifications).

Labcorp Genetics (formerly Invitae), Labcorp
Classification: Likely benign for Joubert syndrome. Last evaluated: 2025-12-23. Review status: criteria provided, single submitter. Criteria: Invitae Variant Classification Sherloc (09022015). Collection method: clinical testing. Allele origin: germline.

Blueprint Genetics
Classification: Likely benign. Last evaluated: 2019-12-30. Review status: criteria provided, single submitter. Criteria: ACMG Guidelines, 2015. Collection method: clinical testing. Allele origin: germline.

Eurofins Ntd Llc (ga)
Classification: Uncertain significance. Last evaluated: 2018-02-13. Review status: criteria provided, single submitter. Criteria: EGL ClinVar v180209 classification definitions. Collection method: clinical testing. Allele origin: germline. Observed: 2 variant alleles, 2 heterozygotes.

Illumina Laboratory Services, Illumina
Classification: Uncertain significance for Joubert syndrome 2. Last evaluated: 2018-01-13. Review status: criteria provided, single submitter. Criteria: ICSL Variant Classification Criteria 13 December 2019. Collection method: clinical testing. Allele origin: germline.

Illumina Laboratory Services, Illumina
Classification: Uncertain significance for Meckel syndrome, type 2. Last evaluated: 2018-01-13. Review status: criteria provided, single submitter. Criteria: ICSL Variant Classification Criteria 13 December 2019. Collection method: clinical testing. Allele origin: germline.

Natera, Inc.
Classification: Likely benign for Joubert syndrome type 2. Last evaluated: 2020-04-14. Review status: no assertion criteria provided. Collection method: clinical testing. Allele origin: germline. Not counted in ClinVar's aggregate classification.